The following is an entry in ClinVar:

ClinVar aggregate classification (germline): Uncertain significance (1 of 4 stars; one submission).

Conditions:
Hereditary cancer-predisposing syndrome. Also called: Hereditary neoplastic syndrome; Neoplastic Syndromes, Hereditary; Tumor predisposition; Hereditary Cancer Syndrome. Identifiers: Orphanet 140162, MedGen C0027672, MeSH D009386, MONDO:0015356.

Submission:

Ambry Genetics
Classification: Uncertain significance for Hereditary cancer-predisposing syndrome. Last evaluated: 2022-10-03. Review status: criteria provided, single submitter. Criteria: Ambry Variant Classification Scheme 2023. Collection method: clinical testing. Allele origin: germline.
Comment: The p.P2982H variant (also known as c.8945C>A), located in coding exon 61 of the ATM gene, results from a C to A substitution at nucleotide position 8945. The proline at codon 2982 is replaced by histidine, an amino acid with similar properties. This amino acid position is conserved. In addition, this alteration is predicted to be tolerated by in silico analysis. Since supporting evidence is limited at this time, the clinical significance of this alteration remains unclear.

NM_000051.4(ATM):c.8945C>A (p.Pro2982His)

Genes: ATM (ATM serine/threonine kinase; plus strand), C11orf65 (chromosome 11 open reading frame 65; minus strand). Cytogenetic location: 11q22.3.
Variant type: single nucleotide variant.
Coding change: c.8945C>A on transcript NM_000051.4 (MANE Select); coding-DNA position 8945, C replaced by A.
Protein change: p.Pro2982His; replaces proline 2982 with histidine.
Molecular consequence: missense variant. On other transcripts: intron variant (2).
Genome position (GRCh38, 1-based): chr11:108,365,176, C>A. VCF-style: chr11-108365176-C-A. GRCh37 (hg19) VCF-style: chr11-108235903-C-A.
Other names: c.8945C>A, p.Pro2982His (NM_001351834.2); c.640+20744G>T (NM_001330368.2); c.694+20744G>T (NM_001351110.2); short protein forms P2982H.
Identifiers: ClinVar variation 1765196 (VCV001765196.2), dbSNP rs150008868, ClinGen allele CA382530169.